The following is an entry in ClinVar:

ClinVar aggregate classification (germline): Uncertain significance (1 of 4 stars; one submission).

Conditions:
Thrombophilia due to protein C deficiency, autosomal dominant. Also called: PROC DEFICIENCY, AUTOSOMAL DOMINANT; PROTEIN C DEFICIENCY, AUTOSOMAL DOMINANT. Identifiers: Orphanet 745, MedGen C2674321, MONDO:0008316, OMIM 176860. Disease mechanism: loss of function.

Allele frequency attached by ClinVar (database versions not stated): gnomAD 0.00001; TOPMed 0.00002; gnomAD exomes 0.00003.
gnomAD v4.1: 48 of 1,613,362 alleles (0.003%); highest among the groups gnomAD compares: Non-Finnish European, 0.004%; no homozygotes.

Submission:

Labcorp Genetics (formerly Invitae), Labcorp
Classification: Uncertain significance for Thrombophilia due to protein C deficiency, autosomal dominant. Last evaluated: 2023-12-09. Review status: criteria provided, single submitter. Criteria: Invitae Variant Classification Sherloc (09022015). Collection method: clinical testing. Allele origin: germline.
Comment: This sequence change replaces aspartic acid, which is acidic and polar, with asparagine, which is neutral and polar, at codon 393 of the PROC protein (p.Asp393Asn). This variant is present in population databases (no rsID available, gnomAD 0.002%). This missense change has been observed in individual(s) with Protein C deficiency disease (PMID: 32717757). Algorithms developed to predict the effect of missense changes on protein structure and function output the following: SIFT: "Not Available"; PolyPhen-2: "Benign"; Align-GVGD: "Not Available". The asparagine amino acid residue is found in multiple mammalian species, which suggests that this missense change does not adversely affect protein function. In summary, the available evidence is currently insufficient to determine the role of this variant in disease. Therefore, it has been classified as a Variant of Uncertain Significance.

Literature cited by the submitters: PubMed 32717757.

NM_000312.4(PROC):c.1177G>A (p.Asp393Asn)

Gene: PROC (protein C, inactivator of coagulation factors Va and VIIIa; plus strand). Cytogenetic location: 2q14.3.
Variant type: single nucleotide variant.
Coding change: c.1177G>A on transcript NM_000312.4 (MANE Select); coding-DNA position 1177, G replaced by A.
Protein change: p.Asp393Asn; replaces aspartic acid 393 with asparagine.
Molecular consequence: missense variant.
Genome position (GRCh38, 1-based): chr2:127,428,737, G>A. VCF-style: chr2-127428737-G-A. GRCh37 (hg19) VCF-style: chr2-128186313-G-A.
Other names: c.1360G>A, p.Asp454Asn (NM_001375602.1); c.1342G>A, p.Asp448Asn (NM_001375603.1); c.1240G>A, p.Asp414Asn (NM_001375604.1); c.1279G>A, p.Asp427Asn (NM_001375605.1); c.1345G>A, p.Asp449Asn (NM_001375606.1); c.1363G>A, p.Asp455Asn (NM_001375607.1); c.1120G>A, p.Asp374Asn (NM_001375608.1); c.1153G>A, p.Asp385Asn (NM_001375609.1); and 2 more; short protein forms D391N, D455N, D374N, D393N, D414N, D449N, D454N, D385N.
Identifiers: ClinVar variation 2955770 (VCV002955770.1), dbSNP rs1052269597, ClinGen allele CA55351296.
Genomic context (GRCh38, chr2:127,428,737, plus strand): 5'-TGCAGCGAGGTCATGAGCAACATGGTGTCTGAGAACATGCTGTGTGCGGGCATCCTCGGG[G>A]ACCGGCAGGATGCCTGCGAGGGCGACAGTGGGGGGCCCATGGTCGCCTCCTTCCACGGCA-3'
Protein context (NP_000303.1, residues 383-403): ENMLCAGILG[Asp393Asn]RQDACEGDSG